The following is an entry in ClinVar:

NM_001195.5(BFSP1):c.403C>T (p.Leu135Phe)

Gene: BFSP1 (beaded filament structural protein 1; minus strand). Cytogenetic location: 20p12.1.
Variant type: single nucleotide variant.
Coding change: c.403C>T on transcript NM_001195.5 (MANE Select); coding-DNA position 403, C replaced by T.
Protein change: p.Leu135Phe; replaces leucine 135 with phenylalanine.
Molecular consequence: missense variant. On other transcripts: 5 prime UTR variant (2).
Genome position (GRCh38, 1-based): chr20:17,524,883, G>A on the plus strand (C>T on the coding strand, the complement: BFSP1 is on the minus strand). VCF-style: chr20-17524883-G-A. GRCh37 (hg19) VCF-style: chr20-17505528-G-A.
Other names: c.28C>T, p.Leu10Phe (NM_001161705.2); c.-15C>T (NM_001278606.2, NM_001278608.2); c.70C>T, p.Leu24Phe (NM_001278607.2); short protein forms L10F, L135F, L24F.
Identifiers: ClinVar variation 1134023 (VCV001134023.10), dbSNP rs151173407, ClinGen allele CA9772358.

ClinVar aggregate classification (germline): Conflicting classifications of pathogenicity. Review status: criteria provided, conflicting classifications (1 of 4 stars). 2 submissions from 2 submitters: Uncertain significance (1); Likely benign (1). Last evaluated 2020-01-23.

Conditions:
Cataract 33. Also called: CATARACT 33, CORTICAL. Identifiers: Orphanet 91492, MedGen C3808107, MONDO:0012665, OMIM 611391.

Allele frequency attached by ClinVar (database versions not stated): gnomAD exomes 0.00010 and 0.00034; ExAC 0.00035; gnomAD 0.00062 and 0.00065; TOPMed 0.00063; ESP Exome Variant Server 0.00069; 1000 Genomes Project 30x 0.00125; 1000 Genomes Project 0.00140.
gnomAD v4.1: 251 of 1,614,110 alleles (0.016%); highest among the groups gnomAD compares: East Asian, 0.23%; no homozygotes.

Submissions (2):

Labcorp Genetics (formerly Invitae), Labcorp
Classification: Likely benign for Cataract 33. Last evaluated: 2020-01-23. Review status: criteria provided, single submitter. Criteria: Invitae Variant Classification Sherloc (09022015). Collection method: clinical testing. Allele origin: germline.

GeneDx
Classification: Uncertain significance. Last evaluated: 2020-01-15. Review status: criteria provided, single submitter. Criteria: GeneDx Variant Classification Process June 2021. Collection method: clinical testing. Allele origin: germline. Affected: yes.
Comment: In silico analysis, which includes protein predictors and evolutionary conservation, supports a deleterious effect; Has not been previously published as pathogenic or benign to our knowledge